The following is an entry in ClinVar:

ClinVar aggregate classification (germline): Uncertain significance. Review status: criteria provided, multiple submitters, no conflicts (2 of 4 stars). 2 submissions from 2 submitters: Uncertain significance (2). Last evaluated 2025-12-22.

Conditions:
Inborn genetic diseases. Identifiers: MedGen C0950123, MeSH D030342.

Allele frequency attached by ClinVar (database versions not stated): gnomAD 0.00001; TOPMed 0.00001.
gnomAD v4.1: 28 of 1,612,764 alleles (0.0017%); highest among the groups gnomAD compares: South Asian, 0.0055%; no homozygotes.

Submissions (2):

Labcorp Genetics (formerly Invitae), Labcorp
Classification: Uncertain significance. Last evaluated: 2025-12-22. Review status: criteria provided, single submitter. Criteria: Invitae Variant Classification Sherloc (09022015). Collection method: clinical testing. Allele origin: germline.
Comment: This sequence change replaces proline, which is neutral and non-polar, with leucine, which is neutral and non-polar, at codon 32 of the RHBDF2 protein (p.Pro32Leu). This variant is present in population databases (rs767534962, gnomAD 0.01%). This variant has not been reported in the literature in individuals affected with RHBDF2-related conditions. ClinVar contains an entry for this variant (Variation ID: 2487349). An algorithm developed to predict the effect of missense changes on protein structure and function (PolyPhen-2) suggests that this variant is likely to be disruptive. In summary, the available evidence is currently insufficient to determine the role of this variant in disease. Therefore, it has been classified as a Variant of Uncertain Significance.

Ambry Genetics
Classification: Uncertain significance for Inborn genetic diseases. Last evaluated: 2025-11-03. Review status: criteria provided, single submitter. Criteria: Ambry Variant Classification Scheme 2023. Collection method: clinical testing. Allele origin: germline.

NM_001005498.4(RHBDF2):c.95C>T (p.Pro32Leu)

Gene: RHBDF2 (rhomboid 5 homolog 2; minus strand). Cytogenetic location: 17q25.1.
Variant type: single nucleotide variant.
Coding change: c.95C>T on transcript NM_001005498.4 (MANE Select); coding-DNA position 95, C replaced by T.
Protein change: p.Pro32Leu; replaces proline 32 with leucine.
Molecular consequence: missense variant. On other transcripts: non-coding transcript variant (3).
Genome position (GRCh38, 1-based): chr17:76,481,430, G>A on the plus strand (C>T on the coding strand, the complement: RHBDF2 is on the minus strand). VCF-style: chr17-76481430-G-A. GRCh37 (hg19) VCF-style: chr17-74477512-G-A.
Other names: c.95C>T, p.Pro32Leu (NM_001376228.1, NM_001376229.1, NM_001376230.1 and 1 more transcripts); short protein forms P32L.
Identifiers: ClinVar variation 2487349 (VCV002487349.5), dbSNP rs767534962, ClinGen allele CA8787502.